The following is an entry in ClinVar:

NM_014244.5(ADAMTS2):c.3547C>T (p.Arg1183Ter)

Gene: ADAMTS2 (ADAM metallopeptidase with thrombospondin type 1 motif 2; minus strand). Cytogenetic location: 5q35.3.
Variant type: single nucleotide variant.
Coding change: c.3547C>T on transcript NM_014244.5 (MANE Select); coding-DNA position 3547, C replaced by T.
Protein change: p.Arg1183Ter; replaces arginine 1183 with a stop codon.
Molecular consequence: nonsense.
Genome position (GRCh38, 1-based): chr5:179,113,956, G>A on the plus strand (C>T on the coding strand, the complement: ADAMTS2 is on the minus strand). VCF-style: chr5-179113956-G-A. GRCh37 (hg19) VCF-style: chr5-178540957-G-A.
Other names: short protein forms R1183*.
Identifiers: ClinVar variation 968063 (VCV000968063.7), dbSNP rs781618824, ClinGen allele CA3595207.

ClinVar aggregate classification (germline): Uncertain significance. Review status: criteria provided, multiple submitters, no conflicts (2 of 4 stars). 3 submissions from 3 submitters: Uncertain significance (2). 1 of the submissions does not count toward it. Last evaluated 2022-08-16.

Conditions:
Ehlers-Danlos syndrome, dermatosparaxis type. Also called: Dermatosparaxis; EDS VIIC; Ehlers-Danlos syndrome, type VII, autosomal recessive. Identifiers: Orphanet 1901, MedGen C2700425, MONDO:0009161, OMIM 225410.

Allele frequency attached by ClinVar (database versions not stated): TOPMed 0.00002; gnomAD 0.00003; gnomAD exomes 0.00003; ExAC 0.00005.
gnomAD v4.1: 54 of 1,613,996 alleles (0.0033%); highest among the groups gnomAD compares: Middle Eastern, 0.016%; no homozygotes.

Submissions (3):

Labcorp Genetics (formerly Invitae), Labcorp
Classification: Uncertain significance for Ehlers-Danlos syndrome, dermatosparaxis type. Last evaluated: 2022-08-16. Review status: criteria provided, single submitter. Criteria: Invitae Variant Classification Sherloc (09022015). Collection method: clinical testing. Allele origin: germline.
Comment: This sequence change creates a premature translational stop signal (p.Arg1183*) in the ADAMTS2 gene. While this is not anticipated to result in nonsense mediated decay, it is expected to disrupt the last 29 amino acid(s) of the ADAMTS2 protein. This variant is present in population databases (rs781618824, gnomAD 0.006%). This variant has not been reported in the literature in individuals affected with ADAMTS2-related conditions. ClinVar contains an entry for this variant (Variation ID: 968063). Experimental studies and prediction algorithms are not available or were not evaluated, and the functional significance of this variant is currently unknown. In summary, the available evidence is currently insufficient to determine the role of this variant in disease. Therefore, it has been classified as a Variant of Uncertain Significance.

GeneDx
Classification: Uncertain significance. Last evaluated: 2019-12-05. Review status: criteria provided, single submitter. Criteria: GeneDx Variant Classification Process June 2021. Collection method: clinical testing. Allele origin: germline. Affected: yes.
Comment: Not observed at a significant frequency in large population cohorts (Lek et al., 2016); Nonsense variant predicted to result in protein truncation, although loss-of-function variants have not been reported downstream of this position in the protein; Has not been previously published as pathogenic or benign to our knowledge

Natera, Inc.
Classification: Uncertain significance for Ehlers-Danlos syndrome type VIIC. Last evaluated: 2020-03-27. Review status: no assertion criteria provided. Collection method: clinical testing. Allele origin: germline. Not counted in ClinVar's aggregate classification.